The following is an entry in ClinVar:

ClinVar aggregate classification (germline): Conflicting classifications of pathogenicity. Review status: criteria provided, conflicting classifications (1 of 4 stars). 6 submissions from 1 submitter: Uncertain significance (1); Benign (3); Likely benign (2). Last evaluated 2018-01-13.

Conditions:
Anophthalmia-microphthalmia syndrome. Also called: Anophthalmia/Microphthalmia; Anophthalmia - microphthalmia. Identifiers: Orphanet 98555, MedGen C5680330, MONDO:0020147.
11p partial monosomy syndrome (WAGR). Also called: WAGR Complex; CHROMOSOME 11p13 DELETION SYNDROME; WAGR syndrome; WAGR Spectrum Disorder. Identifiers: Orphanet 893, MedGen C0206115, MONDO:0008681, OMIM 194072.
Autosomal dominant keratitis. Also called: Keratitis, hereditary. Identifiers: Orphanet 2334, MedGen C1835698, MONDO:0007848, OMIM 148190.
Foveal hypoplasia 1. Also called: FOVEAL HYPOPLASIA 1 WITH OR WITHOUT ANTERIOR SEGMENT ANOMALIES AND/OR CATARACT; FOVEAL HYPOPLASIA 1 WITH ANTERIOR SEGMENT ANOMALIES. Identifiers: Orphanet 2253, MedGen C3805604, MONDO:0007628, OMIM 136520.
Aniridia 1 (AN1). Identifiers: Orphanet 250923, MedGen C0344542, MONDO:0024507, OMIM 106210.
carboxymethyl-dextran-A2-gadolinium-DOTA.

Allele frequency attached by ClinVar (database versions not stated): gnomAD 0.00076 and 0.00074; 1000 Genomes Project 30x 0.00156; 1000 Genomes Project 0.00100; gnomAD exomes 0.00025; TOPMed 0.00117.
gnomAD v4.1: 137 of 223,226 alleles (0.061%); highest among the groups gnomAD compares: Admixed American, 0.35%; 1 homozygote.

Submissions (6):

Illumina Laboratory Services, Illumina
Classification: Likely benign for carboxymethyl-dextran-A2-gadolinium-DOTA. Last evaluated: 2018-01-13. Review status: criteria provided, single submitter. Criteria: ICSL Variant Classification Criteria 13 December 2019. Collection method: clinical testing. Allele origin: germline.
Comment: This variant was observed in the ICSL laboratory as part of a predisposition screen in an ostensibly healthy population. It had not been previously curated by ICSL or reported in the Human Gene Mutation Database (HGMD: prior to June 1st, 2018), and was therefore a candidate for classification through an automated scoring system. Utilizing variant allele frequency, disease prevalence and penetrance estimates, and inheritance mode, an automated score was calculated to assess if this variant is too frequent to cause the disease. Based on the score and internal cut-off values, a variant classified as likely benign is not then subjected to further curation. The score for this variant resulted in a classification of likely benign for this disease.

Illumina Laboratory Services, Illumina
Classification: Benign for Autosomal dominant keratitis. Last evaluated: 2018-01-13. Review status: criteria provided, single submitter. Criteria: ICSL Variant Classification Criteria 13 December 2019. Collection method: clinical testing. Allele origin: germline.
Comment: This variant was observed in the ICSL laboratory as part of a predisposition screen in an ostensibly healthy population. It had not been previously curated by ICSL or reported in the Human Gene Mutation Database (HGMD: prior to June 1st, 2018), and was therefore a candidate for classification through an automated scoring system. Utilizing variant allele frequency, disease prevalence and penetrance estimates, and inheritance mode, an automated score was calculated to assess if this variant is too frequent to cause the disease. Based on the score and internal cut-off values, a variant classified as benign is not then subjected to further curation. The score for this variant resulted in a classification of benign for this disease.

Illumina Laboratory Services, Illumina
Classification: Likely benign for Aniridia 1. Last evaluated: 2018-01-13. Review status: criteria provided, single submitter. Criteria: ICSL Variant Classification Criteria 13 December 2019. Collection method: clinical testing. Allele origin: germline.
Comment: the same text as in the submission from Illumina Laboratory Services, Illumina above.

Illumina Laboratory Services, Illumina
Classification: Benign for Foveal hypoplasia 1. Last evaluated: 2018-01-13. Review status: criteria provided, single submitter. Criteria: ICSL Variant Classification Criteria 13 December 2019. Collection method: clinical testing. Allele origin: germline.
Comment: the same text as in the submission from Illumina Laboratory Services, Illumina above.

Illumina Laboratory Services, Illumina
Classification: Uncertain significance for Anophthalmia-microphthalmia syndrome. Last evaluated: 2018-01-13. Review status: criteria provided, single submitter. Criteria: ICSL Variant Classification Criteria 13 December 2019. Collection method: clinical testing. Allele origin: germline.

Illumina Laboratory Services, Illumina
Classification: Benign for Wilms tumor, aniridia, genitourinary anomalies, and mental retardation syndrome. Last evaluated: 2018-01-13. Review status: criteria provided, single submitter. Criteria: ICSL Variant Classification Criteria 13 December 2019. Collection method: clinical testing. Allele origin: germline.
Comment: the same text as in the submission from Illumina Laboratory Services, Illumina above.

NM_000280.4(PAX6):c.*3428C>T

Genes: ELP4 (elongator acetyltransferase complex subunit 4; plus strand), PAX6 (paired box 6; minus strand). Cytogenetic location: 11p13.
Variant type: single nucleotide variant.
Coding change: c.*3428C>T on transcript NM_000280.4; 3428 bases downstream of the stop codon, C replaced by T.
Molecular consequence: 3 prime UTR variant (on NM_019040.5).
Genome position (GRCh38, 1-based): chr11:31,786,506, G>A on the plus strand (C>T on the coding strand, the complement: PAX6 is on the minus strand). VCF-style: chr11-31786506-G-A. GRCh37 (hg19) VCF-style: chr11-31808054-G-A.
Other names: c.*2968G>A (NM_001288725.2); c.*3077G>A (NM_001288726.2); c.*2982G>A (NM_019040.5).
Identifiers: ClinVar variation 878113 (VCV000878113.6), dbSNP rs191399467, ClinGen allele CA219477072.